The following is an entry in ClinVar:

ClinVar aggregate classification (germline): Uncertain significance (1 of 4 stars; one submission).

gnomAD v4.1: 5 of 1,208,989 alleles (0.00041%); highest among the groups gnomAD compares: Non-Finnish European, 0.00056%; no homozygotes.

Submission:

GeneDx
Classification: Uncertain significance. Last evaluated: 2024-12-16. Review status: criteria provided, single submitter. Criteria: GeneDx Variant Classification Process June 2021. Collection method: clinical testing. Allele origin: germline. Affected: yes.
Comment: Not observed at significant frequency in large population cohorts (gnomAD); In silico analysis indicates that this missense variant does not alter protein structure/function; Has not been previously published as pathogenic or benign to our knowledge

NM_012310.5(KIF4A):c.1158A>C (p.Gln386His)

Gene: KIF4A (kinesin family member 4A; plus strand). Cytogenetic location: Xq13.1.
Variant type: single nucleotide variant.
Coding change: c.1158A>C on transcript NM_012310.5 (MANE Select); coding-DNA position 1158, A replaced by C.
Protein change: p.Gln386His; replaces glutamine 386 with histidine.
Molecular consequence: missense variant.
Genome position (GRCh38, 1-based): chrX:70,341,823, A>C. VCF-style: chrX-70341823-A-C. GRCh37 (hg19) VCF-style: chrX-69561673-A-C.
Other names: short protein forms Q386H.
Identifiers: ClinVar variation 3903145 (VCV003903145.1).